The following is an entry in ClinVar:

NM_018122.5(DARS2):c.1129-143C>T

Gene: DARS2 (aspartyl-tRNA synthetase 2, mitochondrial; plus strand). Cytogenetic location: 1q25.1.
Variant type: single nucleotide variant.
Coding change: c.1129-143C>T on transcript NM_018122.5 (MANE Select); 143 bases into the intron before coding-DNA position 1129, C replaced by T.
Molecular consequence: intron variant.
Genome position (GRCh38, 1-based): chr1:173,845,086, C>T. VCF-style: chr1-173845086-C-T. GRCh37 (hg19) VCF-style: chr1-173814224-C-T.
Other names: c.1129-143C>T (NM_001365212.1, NM_001365213.2).
Identifiers: ClinVar variation 676331 (VCV000676331.2), dbSNP rs12084213, ClinGen allele CA10929490.

ClinVar aggregate classification (germline): Benign. Review status: criteria provided, multiple submitters, no conflicts (2 of 4 stars). 2 submissions from 2 submitters: Benign (2). Last evaluated 2018-06-16.

Allele frequency attached by ClinVar (database versions not stated): gnomAD exomes 0.00843; gnomAD 0.05856 and 0.06251; TOPMed 0.06656; 1000 Genomes Project 0.07648; 1000 Genomes Project 30x 0.07995.
gnomAD v4.1: 13,073 of 621,934 alleles (2.1%); highest among the groups gnomAD compares: African/African-American, 20%; 1,114 homozygotes.

Submissions (2):

GeneDx
Classification: Benign. Last evaluated: 2018-06-16. Review status: criteria provided, single submitter. Criteria: GeneDx Variant Classification (06012015). Collection method: clinical testing. Allele origin: germline. Affected: yes.
Comment: This variant is considered likely benign or benign based on one or more of the following criteria: it is a conservative change, it occurs at a poorly conserved position in the protein, it is predicted to be benign by multiple in silico algorithms, and/or has population frequency not consistent with disease.

Breakthrough Genomics
Classification: Benign. Review status: criteria provided, single submitter. Criteria: ACMG Guidelines, 2015. Collection method: not provided. Allele origin: germline. Inheritance: Autosomal recessive inheritance. Affected: yes.